The following is an entry in ClinVar:

ClinVar aggregate classification (germline): Uncertain significance. Review status: criteria provided, multiple submitters, no conflicts (2 of 4 stars). 5 submissions from 5 submitters: Uncertain significance (5). Last evaluated 2024-10-31.

Conditions:
Congenital myopathy 4B, autosomal recessive. Also called: Nemaline myopathy 1, autosomal dominant or recessive. Identifiers: Orphanet 171433, Orphanet 171439, Orphanet 171881, MedGen C5829889, MONDO:0012239, OMIM 609284.
Congenital myopathy with fiber type disproportion. Also called: Congenital fiber-type disproportion; Congenital fiber-type disproportion myopathy. Identifiers: Orphanet 2020, MedGen C0546264, MONDO:0009711. Inheritance: all.
Inborn genetic diseases. Identifiers: MedGen C0950123, MeSH D030342.

Allele frequency attached by ClinVar (database versions not stated): TOPMed 0.00005; 1000 Genomes Project 0.00020; gnomAD 0.00001 and 0.00002; ExAC 0.00002; gnomAD exomes 0.00004 and 0.00003; 1000 Genomes Project 30x 0.00016.
gnomAD v4.1: 24 of 1,614,204 alleles (0.0015%); highest among the groups gnomAD compares: Admixed American, 0.037%; no homozygotes.

Submissions (5):

Blueprint Genetics
Classification: Uncertain significance. Last evaluated: 2024-10-31. Review status: criteria provided, single submitter. Criteria: ACMG Guidelines, 2015. Collection method: clinical testing. Allele origin: germline.

Ambry Genetics
Classification: Uncertain significance for Inborn genetic diseases. Last evaluated: 2024-09-03. Review status: criteria provided, single submitter. Criteria: Ambry Variant Classification Scheme 2023. Collection method: clinical testing. Allele origin: germline.

Labcorp Genetics (formerly Invitae), Labcorp
Classification: Uncertain significance for Congenital myopathy with fiber type disproportion; Congenital myopathy 4B, autosomal recessive. Last evaluated: 2024-04-10. Review status: criteria provided, single submitter. Criteria: Invitae Variant Classification Sherloc (09022015). Collection method: clinical testing. Allele origin: germline.
Comment: This sequence change replaces leucine, which is neutral and non-polar, with valine, which is neutral and non-polar, at codon 279 of the TPM3 protein (p.Leu279Val). This variant is present in population databases (rs186253666, gnomAD 0.02%). This variant has not been reported in the literature in individuals affected with TPM3-related conditions. ClinVar contains an entry for this variant (Variation ID: 967726). Advanced modeling of protein sequence and biophysical properties (such as structural, functional, and spatial information, amino acid conservation, physicochemical variation, residue mobility, and thermodynamic stability) has been performed at Invitae for this missense variant, however the output from this modeling did not meet the statistical confidence thresholds required to predict the impact of this variant on TPM3 protein function. In summary, the available evidence is currently insufficient to determine the role of this variant in disease. Therefore, it has been classified as a Variant of Uncertain Significance.

GeneDx
Classification: Uncertain significance. Last evaluated: 2023-04-25. Review status: criteria provided, single submitter. Criteria: GeneDx Variant Classification Process June 2021. Collection method: clinical testing. Allele origin: germline. Affected: yes.
Comment: Missense variants in this gene are often considered pathogenic (HGMD); In silico analysis supports that this missense variant does not alter protein structure/function; Has not been previously published as pathogenic or benign to our knowledge

Revvity Omics, Revvity
Classification: Uncertain significance. Last evaluated: 2019-03-29. Review status: criteria provided, single submitter. Criteria: ACMG Guidelines, 2015. Collection method: clinical testing. Allele origin: germline.

NM_152263.4(TPM3):c.835C>G (p.Leu279Val)

Gene: TPM3 (tropomyosin 3; minus strand). Cytogenetic location: 1q21.3.
Variant type: single nucleotide variant.
Coding change: c.835C>G on transcript NM_152263.4 (MANE Select); coding-DNA position 835, C replaced by G.
Protein change: p.Leu279Val; replaces leucine 279 with valine.
Molecular consequence: missense variant. On other transcripts: intron variant (10).
Genome position (GRCh38, 1-based): chr1:154,169,324, G>C on the plus strand (C>G on the coding strand, the complement: TPM3 is on the minus strand). VCF-style: chr1-154169324-G-C. GRCh37 (hg19) VCF-style: chr1-154141800-G-C.
Other names: p.(Leu279Val); c.724C>G, p.Leu242Val (NM_001278189.2, NM_001349679.2, NM_001364683.1); c.835C>G, p.Leu279Val (NM_001364682.1); c.775+1076C>G (NM_001364679.2, NM_001364681.2, NM_001364680.2); c.466+1076C>G (NM_001278188.2); c.664+1076C>G (NM_001043351.2, NM_001043353.2, NM_153649.4 and 1 more transcripts); c.601+1076C>G (NM_001278190.2); c.394+1076C>G (NM_001278191.2); and 1 more; short protein forms L279V, L242V.
Identifiers: ClinVar variation 967726 (VCV000967726.12), dbSNP rs186253666, ClinGen allele CA1125502.
Genomic context (GRCh38, chr1:154,169,324, plus strand): 5'-CAAGCCAAGATCCCAGCCCCACTCTACTGTCAGATAGTTACATAGAGGTCATGTCATTGA[G>C]GGCGTGGTCCAGCTCCTCGCTAATGGCCTTGTACTTCAGTTTCTGGGCATAGAGCTCATC-3'
Protein context (NP_689476.2, residues 269-285): KAISEELDHA[Leu279Val]NDMTSI